The following is an entry in ClinVar:

ClinVar aggregate classification (germline): Uncertain significance. Review status: criteria provided, multiple submitters, no conflicts (2 of 4 stars). 2 submissions from 2 submitters: Uncertain significance (2). Last evaluated 2025-01-10.

Conditions:
Inborn genetic diseases. Identifiers: MedGen C0950123, MeSH D030342.

Allele frequency attached by ClinVar (database versions not stated): gnomAD exomes below 0.00001; ExAC 0.00002; TOPMed 0.00003; gnomAD 0.00005; 1000 Genomes Project 30x 0.00047; 1000 Genomes Project 0.00060.
gnomAD v4.1: 14 of 1,612,272 alleles (0.00087%); highest among the groups gnomAD compares: Admixed American, 0.0083%; no homozygotes.

Submissions (2):

Ambry Genetics
Classification: Uncertain significance for Inborn genetic diseases. Last evaluated: 2025-01-10. Review status: criteria provided, single submitter. Criteria: Ambry Variant Classification Scheme 2023. Collection method: clinical testing. Allele origin: germline.

Labcorp Genetics (formerly Invitae), Labcorp
Classification: Uncertain significance. Last evaluated: 2022-07-01. Review status: criteria provided, single submitter. Criteria: Invitae Variant Classification Sherloc (09022015). Collection method: clinical testing. Allele origin: germline.
Comment: In summary, the available evidence is currently insufficient to determine the role of this variant in disease. Therefore, it has been classified as a Variant of Uncertain Significance. Algorithms developed to predict the effect of missense changes on protein structure and function are either unavailable or do not agree on the potential impact of this missense change (SIFT: "Deleterious"; PolyPhen-2: "Possibly Damaging"; Align-GVGD: "Class C0"). This variant has not been reported in the literature in individuals affected with HSPG2-related conditions. The frequency data for this variant in the population databases is considered unreliable, as metrics indicate poor data quality at this position in the gnomAD database. This sequence change replaces arginine, which is basic and polar, with tryptophan, which is neutral and slightly polar, at codon 1200 of the HSPG2 protein (p.Arg1200Trp).

NM_005529.7(HSPG2):c.3598C>T (p.Arg1200Trp)

Gene: HSPG2 (heparan sulfate proteoglycan 2; minus strand). Cytogenetic location: 1p36.12.
Variant type: single nucleotide variant.
Coding change: c.3598C>T on transcript NM_005529.7 (MANE Select); coding-DNA position 3598, C replaced by T.
Protein change: p.Arg1200Trp; replaces arginine 1200 with tryptophan.
Molecular consequence: missense variant.
Genome position (GRCh38, 1-based): chr1:21,874,464, G>A on the plus strand (C>T on the coding strand, the complement: HSPG2 is on the minus strand). VCF-style: chr1-21874464-G-A. GRCh37 (hg19) VCF-style: chr1-22200957-G-A.
Other names: c.3601C>T, p.Arg1201Trp (NM_001291860.2); c.3598C>T (NM_005529.5); short protein forms R1200W, R1201W.
Identifiers: ClinVar variation 2158219 (VCV002158219.5), dbSNP rs576934263, ClinGen allele CA672595.
Genomic context (GRCh38, chr1:21,874,464, plus strand): 5'-ACTGGCCGGCAGCAGGGTCTCCGTAGCAGGGGCACAGCTGGCAGTCCTGTGGTGTCCCCC[G>A]CTGGGCGTCCCCGTAGTATCCTGGCTGGCACTGCTCACACCGAGGGCCCTCCGTGTGATG-3'
Protein context (NP_005520.4, residues 1190-1210): CQPGYYGDAQ[Arg1200Trp]GTPQDCQLCP